The following is an entry in ClinVar:

ClinVar aggregate classification (germline): Uncertain significance (1 of 4 stars; one submission).

Conditions:
Hypertrophic cardiomyopathy. Also called: HYPERTROPHIC MYOCARDIOPATHY. Identifiers: Orphanet 217569, MedGen C0007194, MeSH D002312, MONDO:0005045, HP:0001639.

Submission:

All of Us Research Program, National Institutes of Health
Classification: Uncertain significance for Hypertrophic cardiomyopathy. Last evaluated: 2023-04-10. Review status: criteria provided, single submitter. Criteria: ACMG Guidelines, 2015. Collection method: clinical testing. Allele origin: germline. Inheritance: Autosomal dominant inheritance. Observed: 1 variant allele, 1 heterozygote.
Comment: This variant deletes 1 nucleotide in exon 4 of the MYL2 gene, creating a frameshift and premature translation stop signal. This variant is expected to result in an absent or non-functional protein product. To our knowledge, this variant has not been reported in individuals affected with cardiovascular disorders in the literature. This variant has not been identified in the general population by the Genome Aggregation Database (gnomAD). The role of loss-of-function MYL2 truncation variants in cardiovascular disorders is not clearly understood. The available evidence is insufficient to determine the role of this variant in disease conclusively. Therefore, this variant is classified as a Variant of Uncertain Significance.

This study involves interpretation of variants in research participants for the purpose of population health screening. Participant phenotype was not available at the time of variant classification. Additional details can be found in publication PMID: 35346344, PMCID: PMC8962531

NM_000432.4(MYL2):c.224del (p.Gly75fs)

Gene: MYL2 (myosin light chain 2; minus strand). Cytogenetic location: 12q24.11.
Variant type: Deletion.
Coding change: c.224del on transcript NM_000432.4 (MANE Select); coding-DNA position 224, one base deleted (G; older notation c.224delG).
Protein change: p.Gly75fs; shifts the reading frame from glycine 75.
Molecular consequence: frameshift variant.
Genome position (GRCh38, 1-based): chr12:110,914,236, C deleted on the plus strand (G on the coding strand, the reverse complement: MYL2 is on the minus strand); the first of 3 consecutive C bases (chr12:110,914,236-110,914,238); deleting any one gives the same sequence. VCF-style (leftmost placement, unchanged base first): chr12-110914235-AC-A. GRCh37 (hg19) VCF-style: chr12-111352039-AC-A.
Other names: c.182del, p.Gly61fs (NM_001406745.1); c.180delG, p.Gly61Valfs (NM_001406746.1); c.167del, p.Gly56fs (NM_001406916.1); short protein forms G56fs, G61fs, G75fs.
Identifiers: ClinVar variation 3070367 (VCV003070367.1), dbSNP rs2499809804, ClinGen allele CA2825002054.